The following is an entry in ClinVar:

ClinVar aggregate classification (germline): Likely benign (1 of 4 stars; one submission).

Submission:

CeGaT Center for Human Genetics Tuebingen
Classification: Likely benign. Last evaluated: 2022-09-01. Review status: criteria provided, single submitter. Criteria: CeGaT Center For Human Genetics Tuebingen Variant Classification Criteria Version 2. Collection method: clinical testing. Allele origin: germline. Affected: yes. Observed: 1 variant allele.
Comment: TNRC6B: PM2:Supporting, BP4, BP7

NM_001162501.2(TNRC6B):c.3945A>G (p.Arg1315=)

Gene: TNRC6B (trinucleotide repeat containing adaptor 6B; plus strand). Cytogenetic location: 22q13.1.
Variant type: single nucleotide variant.
Coding change: c.3945A>G on transcript NM_001162501.2 (MANE Select); coding-DNA position 3945, A replaced by G.
Protein change: p.Arg1315=; no amino-acid change (arginine 1315 retained).
Molecular consequence: synonymous variant.
Genome position (GRCh38, 1-based): chr22:40,301,158, A>G. VCF-style: chr22-40301158-A-G. GRCh37 (hg19) VCF-style: chr22-40697162-A-G.
Other names: c.1533A>G, p.Arg511= (NM_001024843.2); c.3615A>G, p.Arg1205= (NM_015088.3).
Identifiers: ClinVar variation 2653184 (VCV002653184.24), dbSNP rs2518030423, ClinGen allele CA514609626.
Genomic context (GRCh38, chr22:40,301,158, plus strand): 5'-CTGGGAAGTTCGGGGCCGTGCTTATCACGTGTCTGTCTCTCTTGGCCCTCAGCTGGCTCG[A>G]ATGGTGAGTGCACTGCAGCAGCAGCAGCAGCAGCAGCAGAGGCAGCCAGGCATGAAGCAC-3'
Protein context (NP_001155973.1, residues 1305-1325): VRQQQEQQLA[Arg1315=]MVSALQQQQQ